The following is an entry in ClinVar:

NM_001040108.2(MLH3):c.3075A>G (p.Glu1025=)

Gene: MLH3 (mutL homolog 3; minus strand). Cytogenetic location: 14q24.3.
Variant type: single nucleotide variant.
Coding change: c.3075A>G on transcript NM_001040108.2 (MANE Select); coding-DNA position 3075, A replaced by G.
Protein change: p.Glu1025=; no amino-acid change (glutamic acid 1025 retained).
Molecular consequence: synonymous variant.
Genome position (GRCh38, 1-based): chr14:75,046,581, T>C on the plus strand (A>G on the coding strand, the complement: MLH3 is on the minus strand). VCF-style: chr14-75046581-T-C. GRCh37 (hg19) VCF-style: chr14-75513284-T-C.
Other names: c.3075A>G, p.Glu1025= (NM_014381.3).
Identifiers: ClinVar variation 1651363 (VCV001651363.11), dbSNP rs746151819, ClinGen allele CA7275594.

ClinVar aggregate classification (germline): Benign/Likely benign. Review status: criteria provided, multiple submitters, no conflicts (2 of 4 stars). 3 submissions from 3 submitters: Benign (1); Likely benign (2). Last evaluated 2026-09-18.

Conditions:
Colorectal cancer, hereditary nonpolyposis, type 7. Identifiers: Orphanet 144, MedGen C1858380, MONDO:0013725, OMIM 614385.

Allele frequency attached by ClinVar (database versions not stated): gnomAD 0.00001; gnomAD exomes 0.00002 and 0.00001; TOPMed 0.00002; ExAC 0.00002.
gnomAD v4.1: 10 of 1,614,080 alleles (0.00062%); highest among the groups gnomAD compares: South Asian, 0.0077%; no homozygotes.

Submissions (3):

Myriad Genetics, Inc.
Classification: Benign for Colorectal cancer, hereditary nonpolyposis, type 7. Last evaluated: 2026-09-18. Review status: criteria provided, single submitter. Criteria: Myriad Autosomal Dominant, Autosomal Recessive and X-Linked Classification Criteria (2023). Collection method: clinical testing. Allele origin: unknown.
Comment: This variant is considered benign. This variant is a silent/synonymous amino acid change and it is not expected to impact splicing.

Labcorp Genetics (formerly Invitae), Labcorp
Classification: Likely benign for Colorectal cancer, hereditary nonpolyposis, type 7. Last evaluated: 2025-09-29. Review status: criteria provided, single submitter. Criteria: Invitae Variant Classification Sherloc (09022015). Collection method: clinical testing. Allele origin: germline.

Ambry Genetics
Classification: Likely benign. Last evaluated: 2020-06-03. Review status: criteria provided, single submitter. Criteria: Ambry Variant Classification Scheme 2023. Collection method: clinical testing. Allele origin: germline.